The following is an entry in ClinVar:

ClinVar aggregate classification (germline): Uncertain significance. Review status: criteria provided, multiple submitters, no conflicts (2 of 4 stars). 4 submissions from 4 submitters: Uncertain significance (4). Last evaluated 2023-03-12.

Conditions:
Myopathy, myofibrillar, 9, with early respiratory failure (MFM9). Also called: EDSTROM MYOPATHY; MYOPATHY, PROXIMAL, WITH EARLY RESPIRATORY MUSCLE INVOLVEMENT; Myopathy, distal, with early respiratory failure, autosomal dominant; Hereditary myopathy with early respiratory failure. Identifiers: Orphanet 178464, Orphanet 34521, MedGen C1863599, MONDO:0011362, OMIM 603689.
Early-onset myopathy with fatal cardiomyopathy (CMYO5). Also called: CONGENITAL MYOPATHY 5 WITH CARDIOMYOPATHY; Salih Myopathy. Identifiers: Orphanet 289377, MedGen C2673677, MONDO:0012714, OMIM 611705. Disease mechanism: loss of function.
Hypertrophic cardiomyopathy 9. Also called: Familial hypertrophic cardiomyopathy 9. Identifiers: MedGen C1861065, MONDO:0013412, OMIM 613765.
Dilated cardiomyopathy 1G (CMD1G). Identifiers: Orphanet 154, MedGen C1858763, MONDO:0011400, OMIM 604145.
Tibial muscular dystrophy (TMD). Also called: UDD MYOPATHY; Tibial muscular dystrophy, tardive; Udd Distal Myopathy – Tibial Muscular Dystrophy. Identifiers: Orphanet 609, MedGen C1838244, MONDO:0010870, OMIM 600334.
Autosomal recessive limb-girdle muscular dystrophy type 2J (LGMDR10). Also called: MUSCULAR DYSTROPHY, LIMB-GIRDLE, AUTOSOMAL RECESSIVE 10; Limb-girdle muscular dystrophy, type 2J. Identifiers: Orphanet 140922, MedGen C1837342, MONDO:0012127, OMIM 608807.

Allele frequency attached by ClinVar (database versions not stated): gnomAD below 0.00001 and 0.00001; TOPMed 0.00001; gnomAD exomes 0.00005 and 0.00009; ExAC 0.00009; 1000 Genomes Project 30x 0.00016; 1000 Genomes Project 0.00020.
gnomAD v4.1: 76 of 1,613,730 alleles (0.0047%); highest among the groups gnomAD compares: South Asian, 0.078%; no homozygotes.

Submissions (4):

Department of Pathology and Laboratory Medicine, Sinai Health System
Classification: Uncertain significance for Tibial muscular dystrophy; Myopathy, myofibrillar, 9, with early respiratory failure; Dilated cardiomyopathy 1G; Autosomal recessive limb-girdle muscular dystrophy type 2J; Early-onset myopathy with fatal cardiomyopathy; Hypertrophic cardiomyopathy 9. Last evaluated: 2023-03-12. Review status: criteria provided, single submitter. Criteria: ACMG Guidelines, 2015. Collection method: research. Allele origin: germline.

Revvity Omics, Revvity
Classification: Uncertain significance. Last evaluated: 2019-10-30. Review status: criteria provided, single submitter. Criteria: ACMG Guidelines, 2015. Collection method: clinical testing. Allele origin: germline.

Genetic Services Laboratory, University of Chicago
Classification: Uncertain significance. Last evaluated: 2014-11-04. Review status: criteria provided, single submitter. Criteria: ACMG Guidelines, 2015. Collection method: clinical testing. Allele origin: germline.

Biesecker Lab/Clinical Genomics Section, National Institutes of Health
Classification: Uncertain significance. Last evaluated: 2013-06-24. Review status: criteria provided, single submitter. Criteria: Ng et al. (Circ Cardiovasc Genet. 2013). Collection method: research. Allele origin: unknown. Observed: 1 variant allele. Study: ClinSeq.
Comment: The study set was not selected for affection status in relation to any cancer. Pathogenicity categories were based on literature curation. See Pubmed ID:23861362 for details.

Medical sequencing

NM_001267550.2(TTN):c.16549T>G (p.Ser5517Ala)

Gene: TTN (titin; minus strand). Cytogenetic location: 2q31.2.
Variant type: single nucleotide variant.
Coding change: c.16549T>G on transcript NM_001267550.2 (MANE Select); coding-DNA position 16549, T replaced by G.
Protein change: p.Ser5517Ala; replaces serine 5517 with alanine.
Molecular consequence: missense variant. On other transcripts: intron variant (3).
Genome position (GRCh38, 1-based): chr2:178,732,512, A>C on the plus strand (T>G on the coding strand, the complement: TTN is on the minus strand). VCF-style: chr2-178732512-A-C. GRCh37 (hg19) VCF-style: chr2-179597239-A-C.
Other names: c.15598T>G, p.Ser5200Ala (NM_001256850.1); c.12817T>G, p.Ser4273Ala (NM_133378.4); c.13282+5570T>G (NM_003319.4); c.13858+5570T>G (NM_133437.4); c.13657+5570T>G (NM_133432.3); short protein forms S4273A, S5517A, S5200A.
Identifiers: ClinVar variation 192027 (VCV000192027.10), dbSNP rs200520316, ClinGen allele CA205218.